The following is an entry in ClinVar:

NC_000009.12:g.35658042_35658043insCACGTCTTCAGCTTCACAGAGTAGT

Gene: RMRP (RNA component of mitochondrial RNA processing endoribonuclease; minus strand). Cytogenetic location: 9p13.3.
Variant type: Insertion.
Genome position: GRCh38 VCF-style: chr9-35658024-C-CTCAGCTTCACAGAGTAGTCACGTCT. GRCh37 (hg19) VCF-style: chr9-35658021-C-CTCAGCTTCACAGAGTAGTCACGTCT.
Identifiers: ClinVar variation 1456966 (VCV001456966.6), dbSNP rs920074067, ClinGen allele CA2573144655.
Genomic context (GRCh38, chr9:35,658,024, plus strand): 5'-GGGAGGAACAGAGTCCTCAGTGTGTAGCCTAGGATACAGGCCTTCAGCACGAACCACGTC[C>CTCAGCTTCACAGAGTAGTCACGTCT]TCAGCTTCACAGAGTAGTATTTTATAGCCCTAAAGAAATTGTGTTTTATGATTAGGGTGA-3'

ClinVar aggregate classification (germline): Pathogenic (1 of 4 stars; one submission).

Conditions:
Anauxetic dysplasia. Identifiers: Orphanet 93347, MedGen C1846796, MONDO:0011773.

Submission:

Labcorp Genetics (formerly Invitae), Labcorp
Classification: Pathogenic for Anauxetic dysplasia. Last evaluated: 2023-10-09. Review status: criteria provided, single submitter. Criteria: Invitae Variant Classification Sherloc (09022015). Collection method: clinical testing. Allele origin: germline.
Comment: This variant occurs in the RMRP gene, which encodes an RNA molecule that does not result in a protein product. This variant is not present in population databases (gnomAD no frequency). While this particular variant has not been reported in the literature, it is located in the promoter region between the TATA box and the transcription initiation site, and other insertions and duplications immediately upstream of the coding sequence have been reported in individuals affected with cartilage-hair hypoplasia-anauxetic dysplasia (CHH-AD) spectrum disorders (PMID: 16244706, 11207361, 12107819). While functional studies for this variant have not been reported, experimental analyses using patient derived cells, as well as in vitro transfection studies, have shown that promoter insertions result in silencing of RMRP transcription and reduced expression of the gene product (PMID: 11207361, 16254002). For these reasons, this variant has been classified as Pathogenic.

Literature cited by the submitters: PubMed 16244706; PubMed 11207361; PubMed 12107819; PubMed 16254002.